The following is an entry in ClinVar:

NM_000755.5(CRAT):c.1391G>A (p.Arg464His)

Gene: CRAT (carnitine O-acetyltransferase; minus strand). Cytogenetic location: 9q34.11.
Variant type: single nucleotide variant.
Coding change: c.1391G>A on transcript NM_000755.5 (MANE Select); coding-DNA position 1391, G replaced by A.
Protein change: p.Arg464His; replaces arginine 464 with histidine.
Molecular consequence: missense variant.
Genome position (GRCh38, 1-based): chr9:129,098,086, C>T on the plus strand (G>A on the coding strand, the complement: CRAT is on the minus strand). VCF-style: chr9-129098086-C-T. GRCh37 (hg19) VCF-style: chr9-131860365-C-T.
Other names: c.1328G>A, p.Arg443His (NM_001257363.3, NM_001346548.2, NM_004003.4); c.1394G>A, p.Arg465His (NM_001346546.2); c.1391G>A, p.Arg464His (NM_001346547.2); c.1271G>A, p.Arg424His (NM_001346549.2); short protein forms R464H, R465H, R424H, R443H.
Identifiers: ClinVar variation 3269415 (VCV003269415.2).
Genomic context (GRCh38, chr9:129,098,086, plus strand): 5'-TCATCCATGGCCTTGACAAAGGTGAGTGAGTCCATGGAAGCCGAGCGGATGGTGTCGGTG[C>T]GGCCCAGGTGAAACATGCGCAGGGAGGCACTTTCATAGGTGGCACATGCCTGTCCGTAGA-3'
Protein context (NP_000746.3, residues 454-474): SASLRMFHLG[Arg464His]TDTIRSASMD

ClinVar aggregate classification (germline): Uncertain significance. Review status: criteria provided, multiple submitters, no conflicts (2 of 4 stars). 2 submissions from 2 submitters: Uncertain significance (2). Last evaluated 2025-07-14.

gnomAD v4.1: 53 of 1,613,912 alleles (0.0033%); highest among the groups gnomAD compares: East Asian, 0.056%; 1 homozygote.

Submissions (2):

Labcorp Genetics (formerly Invitae), Labcorp
Classification: Uncertain significance. Last evaluated: 2025-07-14. Review status: criteria provided, single submitter. Criteria: Invitae Variant Classification Sherloc (09022015). Collection method: clinical testing. Allele origin: germline.
Comment: This sequence change replaces arginine, which is basic and polar, with histidine, which is basic and polar, at codon 464 of the CRAT protein (p.Arg464His). This variant is present in population databases (rs769843161, gnomAD 0.06%), and has an allele count higher than expected for a pathogenic variant. This variant has not been reported in the literature in individuals affected with CRAT-related conditions. ClinVar contains an entry for this variant (Variation ID: 3269415). Invitae Evidence Modeling of protein sequence and biophysical properties (such as structural, functional, and spatial information, amino acid conservation, physicochemical variation, residue mobility, and thermodynamic stability) indicates that this missense variant is expected to disrupt CRAT protein function with a positive predictive value of 80%. In summary, the available evidence is currently insufficient to determine the role of this variant in disease. Therefore, it has been classified as a Variant of Uncertain Significance.

Ambry Genetics
Classification: Uncertain significance. Last evaluated: 2024-04-23. Review status: criteria provided, single submitter. Criteria: Ambry Variant Classification Scheme 2023. Collection method: clinical testing. Allele origin: germline.